The following is an entry in ClinVar:

ClinVar aggregate classification (germline): Uncertain significance (1 of 4 stars; one submission).

Conditions:
Inborn genetic diseases. Identifiers: MedGen C0950123, MeSH D030342.

gnomAD v4.1: 5 of 1,614,062 alleles (0.00031%); highest among the groups gnomAD compares: South Asian, 0.0055%; no homozygotes.

Submission:

Ambry Genetics
Classification: Uncertain significance for Inborn genetic diseases. Last evaluated: 2025-04-21. Review status: criteria provided, single submitter. Criteria: Ambry Variant Classification Scheme 2023. Collection method: clinical testing. Allele origin: germline.
Comment: The p.A935V variant (also known as c.2804C>T), located in coding exon 12 of the BMPR2 gene, results from a C to T substitution at nucleotide position 2804. The alanine at codon 935 is replaced by valine, an amino acid with similar properties. This amino acid position is conserved. In addition, the in silico prediction for this alteration is inconclusive. Based on the available evidence, the clinical significance of this variant remains unclear.

NM_001204.7(BMPR2):c.2804C>T (p.Ala935Val)

Gene: BMPR2 (bone morphogenetic protein receptor type 2; plus strand). Cytogenetic location: 2q33.2.
Variant type: single nucleotide variant.
Coding change: c.2804C>T on transcript NM_001204.7 (MANE Select); coding-DNA position 2804, C replaced by T.
Protein change: p.Ala935Val; replaces alanine 935 with valine.
Molecular consequence: missense variant.
Genome position (GRCh38, 1-based): chr2:202,556,469, C>T. VCF-style: chr2-202556469-C-T. GRCh37 (hg19) VCF-style: chr2-203421192-C-T.
Other names: short protein forms A935V.
Identifiers: ClinVar variation 3992132 (VCV003992132.1).